The following is an entry in ClinVar:

NM_001077350.3(NPRL3):c.1081C>A (p.Leu361Met)

Genes: HBA-LCR (alpha-globin locus control region; plus strand), NPRL3 (NPR3 like, GATOR1 complex subunit; minus strand). Cytogenetic location: 16p13.3.
Variant type: single nucleotide variant.
Coding change: c.1081C>A on transcript NM_001077350.3 (MANE Select); coding-DNA position 1081, C replaced by A.
Protein change: p.Leu361Met; replaces leucine 361 with methionine.
Molecular consequence: missense variant.
Genome position (GRCh38, 1-based): chr16:92,676, G>T on the plus strand (C>A on the coding strand, the complement: NPRL3 is on the minus strand). VCF-style: chr16-92676-G-T. GRCh37 (hg19) VCF-style: chr16-142674-G-T.
Other names: c.544C>A, p.Leu182Met (NM_001039476.3); c.847C>A, p.Leu283Met (NM_001243247.2); c.1006C>A, p.Leu336Met (NM_001243248.2, NM_001243249.2); short protein forms L182M, L283M, L336M, L361M.
Identifiers: ClinVar variation 1307490 (VCV001307490.2), dbSNP rs1174688982, ClinGen allele CA394053073.

ClinVar aggregate classification (germline): Uncertain significance (1 of 4 stars; one submission).

Allele frequency attached by ClinVar (database versions not stated): gnomAD exomes below 0.00001.
gnomAD v4.1: 3 of 1,613,882 alleles (0.00019%); highest among the groups gnomAD compares: South Asian, 0.0033%; no homozygotes.

Submission:

GeneDx
Classification: Uncertain significance. Last evaluated: 2019-08-12. Review status: criteria provided, single submitter. Criteria: GeneDx Variant Classification Process June 2021. Collection method: clinical testing. Allele origin: germline. Affected: yes.
Comment: Not observed at a significant frequency in large population cohorts (Lek et al., 2016); In silico analysis, which includes protein predictors and evolutionary conservation, supports that this variant does not alter protein structure/function; Has not been previously published as pathogenic or benign to our knowledge